The following is an entry in ClinVar:

ClinVar aggregate classification (germline): Likely benign. Review status: criteria provided, multiple submitters, no conflicts (2 of 4 stars). 2 submissions from 2 submitters: Likely benign (2). Last evaluated 2026-02-09.

Allele frequency attached by ClinVar (database versions not stated): gnomAD exomes 0.00018; ExAC 0.00032; 1000 Genomes Project 30x 0.00047; 1000 Genomes Project 0.00060; ESP Exome Variant Server 0.00062; gnomAD 0.00074 and 0.00083; TOPMed 0.00090.
gnomAD v4.1: 224 of 1,608,116 alleles (0.014%); highest among the groups gnomAD compares: African/African-American, 0.26%; no homozygotes.

Submissions (2):

Women's Health and Genetics/Laboratory Corporation of America, LabCorp
Classification: Likely benign. Last evaluated: 2026-02-09. Review status: criteria provided, single submitter. Criteria: LabCorp Variant Classification Summary - May 2015. Collection method: clinical testing. Allele origin: germline.
Comment: Variant summary: PKD1 c.5433G>T (p.Glu1811Asp) results in a conservative amino acid change in the encoded protein sequence. Algorithms developed to predict the effect of missense changes on protein structure and function all suggest that this variant is likely to be tolerated. The variant allele was found at a frequency of 0.00018 in 240416 control chromosomes, predominantly at a frequency of 0.0027 within the African or African-American subpopulation in the gnomAD database. The observed variant frequency within African or African-American control individuals in the gnomAD database exceeds the estimated maximal expected allele frequency for disease-causing variants in PKD1. To our knowledge, no occurrence of c.5433G>T in individuals affected with PKD1-related conditions and no experimental evidence demonstrating its impact on protein function have been reported. ClinVar contains an entry for this variant (Variation ID: 1194398). Based on the evidence outlined above, the variant was classified as likely benign.

GeneDx
Classification: Likely benign. Last evaluated: 2020-02-28. Review status: criteria provided, single submitter. Criteria: GeneDx Variant Classification Process June 2021. Collection method: clinical testing. Allele origin: germline. Affected: yes.
Comment: In silico analysis, which includes protein predictors and evolutionary conservation, supports that this variant does not alter protein structure/function; Has not been previously published as pathogenic or benign to our knowledge

NM_001009944.3(PKD1):c.5433G>T (p.Glu1811Asp)

Gene: PKD1 (polycystin 1, transient receptor potential channel interacting; minus strand). Cytogenetic location: 16p13.3.
Variant type: single nucleotide variant.
Coding change: c.5433G>T on transcript NM_001009944.3 (MANE Select); coding-DNA position 5433, G replaced by T.
Protein change: p.Glu1811Asp; replaces glutamic acid 1811 with aspartic acid.
Molecular consequence: missense variant.
Genome position (GRCh38, 1-based): chr16:2,109,734, C>A on the plus strand (G>T on the coding strand, the complement: PKD1 is on the minus strand). VCF-style: chr16-2109734-C-A. GRCh37 (hg19) VCF-style: chr16-2159735-C-A.
Other names: c.5433G>T, p.Glu1811Asp (NM_000296.4); short protein forms E1811D.
Identifiers: ClinVar variation 1194398 (VCV001194398.3), dbSNP rs144124616, ClinGen allele CA7831987.